The following is an entry in ClinVar:

ClinVar aggregate classification (germline): Conflicting classifications of pathogenicity. Review status: criteria provided, conflicting classifications (1 of 4 stars). 4 submissions from 4 submitters: Uncertain significance (1); Benign (1); Likely benign (2). Last evaluated 2025-09-08.

Conditions:
Hereditary spastic paraplegia 39 (SPG39). Also called: SPASTIC PARAPLEGIA 39, AUTOSOMAL RECESSIVE; Spastic Paraplegia Type 39 (SPG39). Identifiers: Orphanet 139480, MedGen C2677586, MONDO:0012787, OMIM 612020.

Allele frequency attached by ClinVar (database versions not stated): gnomAD 0.00003 and 0.00005; ESP Exome Variant Server 0.00008; TOPMed 0.00009; gnomAD exomes 0.00011 and 0.00026; 1000 Genomes Project 30x 0.00016; 1000 Genomes Project 0.00020; ExAC 0.00061.
gnomAD v4.1: 163 of 1,577,164 alleles (0.01%); highest among the groups gnomAD compares: East Asian, 0.34%; no homozygotes.

Submissions (4):

Labcorp Genetics (formerly Invitae), Labcorp
Classification: Benign for Hereditary spastic paraplegia 39. Last evaluated: 2025-09-08. Review status: criteria provided, single submitter. Criteria: Invitae Variant Classification Sherloc (09022015). Collection method: clinical testing. Allele origin: germline.

Blueprint Genetics
Classification: Likely benign. Last evaluated: 2024-10-24. Review status: criteria provided, single submitter. Criteria: ACMG Guidelines, 2015. Collection method: clinical testing. Allele origin: germline.

Illumina Laboratory Services, Illumina
Classification: Uncertain significance for Hereditary spastic paraplegia 39. Last evaluated: 2018-01-13. Review status: criteria provided, single submitter. Criteria: ICSL Variant Classification Criteria 13 December 2019. Collection method: clinical testing. Allele origin: germline.

GeneDx
Classification: Likely benign. Last evaluated: 2017-05-31. Review status: criteria provided, single submitter. Criteria: GeneDx Variant Classification (06012015). Collection method: clinical testing. Allele origin: germline. Affected: yes.
Comment: This variant is considered likely benign or benign based on one or more of the following criteria: it is a conservative change, it occurs at a poorly conserved position in the protein, it is predicted to be benign by multiple in silico algorithms, and/or has population frequency not consistent with disease.

NM_001166114.2(PNPLA6):c.232+14G>A

Gene: PNPLA6 (patatin like domain 6, lysophospholipase; plus strand). Cytogenetic location: 19p13.2.
Variant type: single nucleotide variant.
Coding change: c.232+14G>A on transcript NM_001166114.2 (MANE Select); 14 bases into the intron after coding-DNA position 232, G replaced by A.
Molecular consequence: intron variant.
Genome position (GRCh38, 1-based): chr19:7,536,034, G>A. VCF-style: chr19-7536034-G-A. GRCh37 (hg19) VCF-style: chr19-7600920-G-A.
Other names: c.115+14G>A (NM_006702.5, NM_001166112.2, NM_001166113.1); c.259+14G>A (NM_001166111.2).
Identifiers: ClinVar variation 509801 (VCV000509801.15), dbSNP rs199727584, ClinGen allele CA9139372.